The following is an entry in ClinVar:

NM_024675.4(PALB2):c.2736G>A (p.Trp912Ter)

Gene: PALB2 (partner and localizer of BRCA2; minus strand). Cytogenetic location: 16p12.2.
Variant type: single nucleotide variant.
Coding change: c.2736G>A on transcript NM_024675.4 (MANE Select); coding-DNA position 2736, G replaced by A.
Protein change: p.Trp912Ter; replaces tryptophan 912 with a stop codon.
Molecular consequence: nonsense.
Genome position (GRCh38, 1-based): chr16:23,626,248, C>T on the plus strand (G>A on the coding strand, the complement: PALB2 is on the minus strand). VCF-style: chr16-23626248-C-T. GRCh37 (hg19) VCF-style: chr16-23637569-C-T.
Other names: short protein forms W912*.
Identifiers: ClinVar variation 821738 (VCV000821738.18), dbSNP rs1555459925, ClinGen allele CA395121841.
Genomic context (GRCh38, chr16:23,626,248, plus strand): 5'-CAGGCAAATGGCTGCAAAGATCTCTTTCAGCTCGAGATTCCCACTTACCTCTGCGAAGTG[C>T]CAGGTATAAAGTTTTTCCCACTGCCAAGCATCCAGAGCTTTCCAAAGAGAAACTACATCT-3'

ClinVar aggregate classification (germline): Pathogenic/Likely pathogenic. Review status: criteria provided, multiple submitters, no conflicts (2 of 4 stars). 5 submissions from 5 submitters: Pathogenic (4); Likely pathogenic (1). Last evaluated 2025-03-04.

Conditions:
Familial cancer of breast. Also called: BREAST CANCER, FAMILIAL; Hereditary breast cancer; hereditary breast carcinoma. Identifiers: Orphanet 227535, MedGen C0346153, MONDO:0016419, OMIM 114480. Disease mechanism: loss of function.
Hereditary cancer-predisposing syndrome. Also called: Tumor predisposition; Hereditary Cancer Syndrome; Neoplastic Syndromes, Hereditary; Hereditary neoplastic syndrome. Identifiers: Orphanet 140162, MedGen C0027672, MeSH D009386, MONDO:0015356.

Submissions (5):

Center for Genomic Medicine, Rigshospitalet, Copenhagen University Hospital
Classification: Pathogenic. Last evaluated: 2025-03-04. Review status: criteria provided, single submitter. Criteria: ACMG Guidelines, 2015. Collection method: clinical testing. Allele origin: germline.
Comment: Classification criteria: PVS1, PM2_supporting, PM5_supporting

Ambry Genetics
Classification: Pathogenic for Hereditary cancer-predisposing syndrome. Last evaluated: 2024-10-21. Review status: criteria provided, single submitter. Criteria: Ambry Variant Classification Scheme 2023. Collection method: clinical testing. Allele origin: germline.
Comment: The p.W912* pathogenic mutation (also known as c.2736G>A), located in coding exon 7 of the PALB2 gene, results from a G to A substitution at nucleotide position 2736. This changes the amino acid from a tryptophan to a stop codon within coding exon 7. This alteration was detected in 1/5589 German BRCA1/2-negative probands with breast cancer (Hauke J et al. Cancer Med, 2018 04;7:1349-1358). This alteration was also detected in a patient with a malignant peripheral nerve sheath tumor; the patient also carried a gross deletion in the NF1 gene (Byrjalsen A et al. PLoS Genet, 2020 12;16:e1009231). This variant is considered to be rare based on population cohorts in the Genome Aggregation Database (gnomAD). This alteration is expected to result in loss of function by premature protein truncation or nonsense-mediated mRNA decay. As such, this alteration is interpreted as a disease-causing mutation.

Labcorp Genetics (formerly Invitae), Labcorp
Classification: Pathogenic for Familial cancer of breast. Last evaluated: 2024-10-15. Review status: criteria provided, single submitter. Criteria: Invitae Variant Classification Sherloc (09022015). Collection method: clinical testing. Allele origin: germline.
Comment: This sequence change creates a premature translational stop signal (p.Trp912*) in the PALB2 gene. It is expected to result in an absent or disrupted protein product. Loss-of-function variants in PALB2 are known to be pathogenic (PMID: 17200668, 17200671, 17200672, 24136930, 25099575). This variant is not present in population databases (gnomAD no frequency). This premature translational stop signal has been observed in individual(s) with breast cancer (PMID: 31841383). ClinVar contains an entry for this variant (Variation ID: 821738). Algorithms developed to predict the effect of sequence changes on RNA splicing suggest that this variant may disrupt the consensus splice site. For these reasons, this variant has been classified as Pathogenic.

Myriad Genetics, Inc.
Classification: Pathogenic for Familial cancer of breast. Last evaluated: 2023-02-07. Review status: criteria provided, single submitter. Criteria: Myriad Autosomal Dominant, Autosomal Recessive and X-Linked Classification Criteria (2023). Collection method: clinical testing. Allele origin: unknown.
Comment: This variant is considered pathogenic. This variant creates a termination codon and is predicted to result in premature protein truncation.

Baylor Genetics
Classification: Likely pathogenic for Familial cancer of breast. Last evaluated: 2022-09-19. Review status: criteria provided, single submitter. Criteria: ACMG Guidelines, 2015. Collection method: clinical testing. Allele origin: unknown.

Literature cited by the submitters: PubMed 31841383 (cited by Center for Genomic Medicine, Rigshospitalet, Copenhagen University Hospital and Labcorp Genetics (formerly Invitae), Labcorp); PubMed 33332384 (cited by Center for Genomic Medicine, Rigshospitalet, Copenhagen University Hospital and Ambry Genetics); PubMed 29522266 (cited by Ambry Genetics); PubMed 17200668 (cited by Labcorp Genetics (formerly Invitae), Labcorp); PubMed 17200671 (cited by Labcorp Genetics (formerly Invitae), Labcorp); PubMed 17200672 (cited by Labcorp Genetics (formerly Invitae), Labcorp); PubMed 24136930 (cited by Labcorp Genetics (formerly Invitae), Labcorp); PubMed 25099575 (cited by Labcorp Genetics (formerly Invitae), Labcorp).